The following is an entry in ClinVar:

NM_201384.3(PLEC):c.264+4C>G

Gene: PLEC (plectin; minus strand). Cytogenetic location: 8q24.3.
Variant type: single nucleotide variant.
Coding change: c.264+4C>G on transcript NM_201384.3 (MANE Select); 4 bases into the intron after coding-DNA position 264, C replaced by G.
Molecular consequence: intron variant.
Genome position (GRCh38, 1-based): chr8:143,938,147, G>C on the plus strand (C>G on the coding strand, the complement: PLEC is on the minus strand). VCF-style: chr8-143938147-G-C. GRCh37 (hg19) VCF-style: chr8-145012315-G-C.
Other names: c.345+4C>G (NM_000445.5); c.222+4C>G (NM_201378.4); c.198+4C>G (NM_201379.3); c.675+4C>G (NM_201380.4); c.168+4C>G (NM_201381.3); c.264+4C>G (NM_201382.4); c.276+4C>G (NM_201383.3).
Identifiers: ClinVar variation 2153246 (VCV002153246.4), dbSNP rs369467661, ClinGen allele CA4928557.
Genomic context (GRCh38, chr8:143,938,147, plus strand): 5'-GGAAGGCAGGCAGAGGTCTCCAGGTGGGGCAGGCGGGGCCCGGAGGGGGCAGGGGCACAC[G>C]TACCAGGCTGTCCCCCGAGAGGACCTCCAGCAGGGAGATGAGGTTGTGGCCATCGCGGAG-3'

ClinVar aggregate classification (germline): Uncertain significance (1 of 4 stars; one submission).

Conditions:
Epidermolysis bullosa simplex with nail dystrophy (EBS5D). Identifiers: MedGen C4225309, MONDO:0014661, OMIM 616487.
Epidermolysis bullosa simplex 5B, with muscular dystrophy (EBS5B). Also called: EPIDERMOLYSIS BULLOSA SIMPLEX AND LIMB-GIRDLE MUSCULAR DYSTROPHY; Epidermolysis bullosa simplex with muscular dystrophy. Identifiers: Orphanet 257, MedGen C2931072, MONDO:0009181, OMIM 226670.
Epidermolysis bullosa simplex, Ogna type (EBS5A). Also called: Pidermolysis bullosa simplex 5A, Ogna type; EPIDERMOLYSIS BULLOSA SIMPLEX 5A, OGNA TYPE. Identifiers: Orphanet 79401, MedGen C0432317, MONDO:0007555, OMIM 131950.
Autosomal recessive limb-girdle muscular dystrophy type 2Q (LGMDR17). Also called: MUSCULAR DYSTROPHY, LIMB-GIRDLE, AUTOSOMAL RECESSIVE 17. Identifiers: Orphanet 254361, MedGen C3150989, MONDO:0013390, OMIM 613723.
Epidermolysis bullosa simplex 5C, with pyloric atresia (EBS5C). Also called: Epidermolysis bullosa simplex with pyloric atresia; PLEC-Related Epidermolysis Bullosa with Pyloric Atresia; PLEC1-Related Epidermolysis Bullosa with Pyloric Atresia. Identifiers: Orphanet 158684, MedGen C2677349, MONDO:0012807, OMIM 612138.

gnomAD v4.1: 35 of 1,598,952 alleles (0.0022%); highest among the groups gnomAD compares: Non-Finnish European, 0.0029%; no homozygotes.

Submission:

Labcorp Genetics (formerly Invitae), Labcorp
Classification: Uncertain significance for Autosomal recessive limb-girdle muscular dystrophy type 2Q; Epidermolysis bullosa simplex, Ogna type; Epidermolysis bullosa simplex with nail dystrophy; Epidermolysis bullosa simplex 5C, with pyloric atresia; Epidermolysis bullosa simplex 5B, with muscular dystrophy. Last evaluated: 2025-03-18. Review status: criteria provided, single submitter. Criteria: Invitae Variant Classification Sherloc (09022015). Collection method: clinical testing. Allele origin: germline.
Comment: This sequence change falls in intron 4 of the PLEC gene. It does not directly change the encoded amino acid sequence of the PLEC protein. It affects a nucleotide within the consensus splice site. This variant is present in population databases (rs369467661, gnomAD 0.002%). This variant has not been reported in the literature in individuals affected with PLEC-related conditions. ClinVar contains an entry for this variant (Variation ID: 2153246). Variants that disrupt the consensus splice site are a relatively common cause of aberrant splicing (PMID: 17576681, 9536098). Algorithms developed to predict the effect of sequence changes on RNA splicing suggest that this variant is not likely to affect RNA splicing. In summary, the available evidence is currently insufficient to determine the role of this variant in disease. Therefore, it has been classified as a Variant of Uncertain Significance.

Literature cited by the submitters: PubMed 17576681; PubMed 9536098.